The following is an entry in ClinVar:

NM_001040167.2(LFNG):c.987G>A (p.Gln329=)

Gene: LFNG (LFNG O-fucosylpeptide 3-beta-N-acetylglucosaminyltransferase; plus strand). Cytogenetic location: 7p22.3.
Variant type: single nucleotide variant.
Coding change: c.987G>A on transcript NM_001040167.2 (MANE Select); coding-DNA position 987, G replaced by A.
Protein change: p.Gln329=; no amino-acid change (glutamine 329 retained).
Molecular consequence: synonymous variant.
Genome position (GRCh38, 1-based): chr7:2,526,409, G>A. VCF-style: chr7-2526409-G-A. GRCh37 (hg19) VCF-style: chr7-2566043-G-A.
Other names: c.987G>A, p.Gln329= (NM_001040168.2); c.774G>A, p.Gln258= (NM_001166355.2); c.600G>A, p.Gln200= (NM_002304.3).
Identifiers: ClinVar variation 1371074 (VCV001371074.8), dbSNP rs1779976779, ClinGen allele CA453452571.

ClinVar aggregate classification (germline): Uncertain significance (1 of 4 stars; one submission).

Conditions:
Spondylocostal dysostosis 3, autosomal recessive (SCDO3). Also called: LFNG-Related Spondylocostal Dysostosis, Autosomal Recessive. Identifiers: Orphanet 2311, MedGen C1853296, MONDO:0012349, OMIM 609813.

Allele frequency attached by ClinVar (database versions not stated): TOPMed below 0.00001; gnomAD 0.00001.
gnomAD v4.1: 1 of 1,606,946 alleles (0.000062%); highest among the groups gnomAD compares: Admixed American, 0.0017%; no homozygotes.

Submission:

Labcorp Genetics (formerly Invitae), Labcorp
Classification: Uncertain significance for Spondylocostal dysostosis 3, autosomal recessive. Last evaluated: 2025-06-30. Review status: criteria provided, single submitter. Criteria: Invitae Variant Classification Sherloc (09022015). Collection method: clinical testing. Allele origin: germline.
Comment: This sequence change affects codon 329 of the LFNG mRNA. It is a 'silent' change, meaning that it does not change the encoded amino acid sequence of the LFNG protein. This variant also falls at the last nucleotide of exon 6, which is part of the consensus splice site for this exon. This variant is not present in population databases (gnomAD no frequency). This variant has been observed in individual(s) with clinical features of spondylocostal dysostosis (internal data). ClinVar contains an entry for this variant (Variation ID: 1371074). Variants that disrupt the consensus splice site are a relatively common cause of aberrant splicing (PMID: 17576681, 9536098). Algorithms developed to predict the effect of sequence changes on RNA splicing suggest that this variant may disrupt the consensus splice site. In summary, the available evidence is currently insufficient to determine the role of this variant in disease. Therefore, it has been classified as a Variant of Uncertain Significance.

Literature cited by the submitters: PubMed 17576681; PubMed 9536098.